The following is an entry in ClinVar:

NM_001110556.2(FLNA):c.5199C>T (p.Asn1733=)

Gene: FLNA (filamin A; minus strand). Cytogenetic location: Xq28.
Variant type: single nucleotide variant.
Coding change: c.5199C>T on transcript NM_001110556.2 (MANE Select); coding-DNA position 5199, C replaced by T.
Protein change: p.Asn1733=; no amino-acid change (asparagine 1733 retained).
Molecular consequence: synonymous variant.
Genome position (GRCh38, 1-based): chrX:154,354,843, G>A on the plus strand (C>T on the coding strand, the complement: FLNA is on the minus strand). VCF-style: chrX-154354843-G-A. GRCh37 (hg19) VCF-style: chrX-153583211-G-A.
Other names: p.Asn1725=; c.5175C>T, p.Asn1725= (NM_001456.4).
Identifiers: ClinVar variation 590054 (VCV000590054.17), dbSNP rs782086308, ClinGen allele CA10560374.

ClinVar aggregate classification (germline): Likely benign. Review status: criteria provided, multiple submitters, no conflicts (2 of 4 stars). 5 submissions from 5 submitters: Likely benign (5). Last evaluated 2026-01-19.

Conditions:
Melnick-Needles syndrome (MNS). Also called: Melnick-Needles Syndrome (FLNA-MNS); MELNICK-NEEDLES OSTEODYSPLASTY; OSTEODYSPLASTY OF MELNICK AND NEEDLES. Identifiers: Orphanet 2484, MedGen C0025237, MONDO:0010650, OMIM 309350.
Frontometaphyseal dysplasia (FMD1). Identifiers: Orphanet 1826, MedGen C0265293, MONDO:0015942.
Heterotopia, periventricular, X-linked dominant (PVNH1). Also called: X-linked periventricular heterotopia; PERIVENTRICULAR NODULAR HETEROTOPIA 4; HETEROTOPIA, PERIVENTRICULAR, 1; PERIVENTRICULAR NODULAR HETEROTOPIA 1. Identifiers: Orphanet 2149, Orphanet 82004, MedGen C1848213, MONDO:0010233, OMIM 300049.
Oto-palato-digital syndrome, type II (OPD2). Also called: Otopalatodigital Syndrome Type 2 (FLNA-OPD2); FACIOPALATOOSSEOUS SYNDROME; Otopalatodigital Syndrome, Type II; OPD II SYNDROME. Identifiers: Orphanet 669, Orphanet 90652, MedGen C1844696, MONDO:0010571, OMIM 304120.
Familial thoracic aortic aneurysm and aortic dissection (TAAD). Also called: Thoracic aortic aneurysms and dissections. Identifiers: Orphanet 91387, MedGen C4707243, MONDO:0019625.

Allele frequency attached by ClinVar (database versions not stated): ExAC 0.00001; gnomAD 0.00001; gnomAD exomes 0.00001 and 0.00002; TOPMed 0.00001.
gnomAD v4.1: 19 of 1,210,935 alleles (0.0016%); highest among the groups gnomAD compares: Non-Finnish European, 0.002%; no homozygotes.

Submissions (5):

Labcorp Genetics (formerly Invitae), Labcorp
Classification: Likely benign for Oto-palato-digital syndrome, type II; Heterotopia, periventricular, X-linked dominant; Frontometaphyseal dysplasia; Melnick-Needles syndrome. Last evaluated: 2026-01-19. Review status: criteria provided, single submitter. Criteria: Invitae Variant Classification Sherloc (09022015). Collection method: clinical testing. Allele origin: germline.

Mayo Clinic Laboratories, Mayo Clinic
Classification: Likely benign. Last evaluated: 2025-05-27. Review status: criteria provided, single submitter. Criteria: ACMG Guidelines, 2015. Collection method: clinical testing. Allele origin: germline. Observed: 1 variant allele.
Comment: BP4, BP7

Blueprint Genetics
Classification: Likely benign. Last evaluated: 2023-09-20. Review status: criteria provided, single submitter. Criteria: ACMG Guidelines, 2015. Collection method: clinical testing. Allele origin: germline.

GeneDx
Classification: Likely benign. Last evaluated: 2021-02-24. Review status: criteria provided, single submitter. Criteria: GeneDx Variant Classification Process June 2021. Collection method: clinical testing. Allele origin: germline. Affected: yes.

Ambry Genetics
Classification: Likely benign for Familial thoracic aortic aneurysm and aortic dissection. Last evaluated: 2017-01-26. Review status: criteria provided, single submitter. Criteria: Ambry Variant Classification Scheme 2023. Collection method: clinical testing. Allele origin: germline.